The following is an entry in ClinVar:

NM_004928.3(CFAP410):c.347C>T (p.Pro116Leu)

Gene: CFAP410 (cilia and flagella associated protein 410; minus strand). Cytogenetic location: 21q22.3.
Variant type: single nucleotide variant.
Coding change: c.347C>T on transcript NM_004928.3 (MANE Select); coding-DNA position 347, C replaced by T.
Protein change: p.Pro116Leu; replaces proline 116 with leucine.
Molecular consequence: missense variant.
Genome position (GRCh38, 1-based): chr21:44,333,059, G>A on the plus strand (C>T on the coding strand, the complement: CFAP410 is on the minus strand). VCF-style: chr21-44333059-G-A. GRCh37 (hg19) VCF-style: chr21-45752942-G-A.
Other names: CFAP410; c.347C>T, p.Pro116Leu (NM_001271440.2, NM_001271441.2); c.224C>T, p.Pro75Leu (NM_001271442.1); short protein forms P116L, P75L.
Identifiers: ClinVar variation 428581 (VCV000428581.13), dbSNP rs922930539, ClinGen allele CA10053716.

ClinVar aggregate classification (germline): Pathogenic/Likely pathogenic. Review status: criteria provided, multiple submitters, no conflicts (2 of 4 stars). 6 submissions from 6 submitters: Pathogenic (1); Likely pathogenic (3). 2 of the submissions do not count toward it. Last evaluated 2025-10-03.

Conditions:
CFAP410-related disorder. Also called: CFAP410-related condition.
Axial spondylometaphyseal dysplasia. Also called: AXIAL SMD. Identifiers: Orphanet 168549, MedGen C1865695, MONDO:0011211, OMIM 602271.
Retinal dystrophy with or without macular staphyloma. Identifiers: Orphanet 653709, MedGen C4479651, MONDO:0060507, OMIM 617547.

Allele frequency attached by ClinVar (database versions not stated): gnomAD 0.00003 and 0.00004; TOPMed 0.00003; gnomAD exomes 0.00006; ExAC 0.00007.
gnomAD v4.1: 45 of 1,599,646 alleles (0.0028%); highest among the groups gnomAD compares: East Asian, 0.02%; no homozygotes.

Submissions (6):

Labcorp Genetics (formerly Invitae), Labcorp
Classification: Pathogenic. Last evaluated: 2025-10-03. Review status: criteria provided, single submitter. Criteria: Invitae Variant Classification Sherloc (09022015). Collection method: clinical testing. Allele origin: germline.
Comment: This sequence change replaces proline, which is neutral and non-polar, with leucine, which is neutral and non-polar, at codon 116 of the CFAP410 protein (p.Pro116Leu). This variant is present in population databases (no rsID available, gnomAD 0.03%). This missense change has been observed in individuals with autosomal recessive retinal dystrophy (PMID: 26974433, 38153748; internal data). ClinVar contains an entry for this variant (Variation ID: 428581). Invitae Evidence Modeling of protein sequence and biophysical properties (such as structural, functional, and spatial information, amino acid conservation, physicochemical variation, residue mobility, and thermodynamic stability) indicates that this missense variant is expected to disrupt CFAP410 protein function with a positive predictive value of 80%. For these reasons, this variant has been classified as Pathogenic.

3billion
Classification: Likely pathogenic for Retinal dystrophy with or without macular staphyloma. Last evaluated: 2024-07-01. Review status: criteria provided, single submitter. Criteria: ACMG Guidelines, 2015. Collection method: clinical testing. Allele origin: germline. Affected: yes.
Comment: The variant is observed at an extremely low frequency in the gnomAD v4.0.0 dataset (total allele frequency: 0.003%). Predicted Consequence/Location: Missense variant The same nucleotide change resulting in the same amino acid change has been previously reported as pathogenic/likely pathogenic with strong evidence (ClinVar ID: VCV000428581 /PMID: 26974433). The variant has been reported to be in trans with a pathogenic variant as either compound heterozygous or homozygous in at least one similarly affected unrelated individual (PMID: 26974433). Therefore, this variant is classified as Likely pathogenic according to the recommendation of ACMG/AMP guideline.

Ocular Genomics Institute, Massachusetts Eye and Ear
Classification: Likely pathogenic for Retinal dystrophy with or without macular staphyloma. Last evaluated: 2024-01-17. Review status: criteria provided, single submitter. Criteria: ACMG Guidelines, 2015. Collection method: research. Allele origin: germline. Affected: yes. Observed: 1 variant allele.

Blueprint Genetics
Classification: Likely pathogenic for CFAP410-related disorders. Last evaluated: 2020-11-30. Review status: criteria provided, single submitter. Criteria: ACMG Guidelines, 2015. Collection method: clinical testing. Allele origin: germline. Affected: yes. Observed: 5 variant alleles.

OMIM
Classification: Pathogenic for SPONDYLOMETAPHYSEAL DYSPLASIA, AXIAL. Last evaluated: 2018-07-17. Review status: no assertion criteria provided. Collection method: literature only. Allele origin: germline. Not counted in ClinVar's aggregate classification.

Henan Ocular Pharmacology and Therapeutics International Laboratory, Henan Eye Hospital
Classification: Likely pathogenic for Retinal dystrophy with or without macular staphyloma. Review status: no assertion criteria provided. Collection method: research. Allele origin: biparental. Inheritance: Autosomal recessive inheritance. Affected: yes. Observed: 1 compound heterozygote. Not counted in ClinVar's aggregate classification.
Comment: The P116L variant in CFAP410 has been reported in a family with axial spondylometaphyseal dysplasia (AXSMD) and located in the LRRCT domain. Another variant was Y107H. (Wang et al., 2016)

Literature cited by the submitters: PubMed 26974433 (cited by 3 submitters); PubMed 38153748 (cited by Labcorp Genetics (formerly Invitae), Labcorp); DOI 10.1371/journal.pone.0150555 (cited by Henan Ocular Pharmacology and Therapeutics International Laboratory, Henan Eye Hospital).